The following is an entry in ClinVar:

ClinVar aggregate classification (germline): Conflicting classifications of pathogenicity. Review status: criteria provided, conflicting classifications (1 of 4 stars). 2 submissions from 2 submitters: Uncertain significance (1); Benign (1). Last evaluated 2025-11-04.

Conditions:
Fetal akinesia deformation sequence 1 (FADS1). Also called: Pena-Shokeir syndrome type I; Fetal akinesia sequence. Identifiers: Orphanet 994, MedGen C1276035, MONDO:0100101, OMIM 208150, HP:0001989.
Congenital myasthenic syndrome 9. Also called: Myasthenic syndrome, congenital, 9, associated with acetylcholine receptor deficiency. Identifiers: Orphanet 590, MedGen C4225368, MONDO:0014587, OMIM 616325.

Allele frequency attached by ClinVar (database versions not stated): gnomAD exomes 0.00037 and 0.00014; gnomAD 0.00130 and 0.00138; TOPMed 0.00139; 1000 Genomes Project 0.00160; ESP Exome Variant Server 0.00166; ExAC 0.00043; 1000 Genomes Project 30x 0.00156.
gnomAD v4.1: 417 of 1,606,702 alleles (0.026%); highest among the groups gnomAD compares: African/African-American, 0.41%; no homozygotes.

Submissions (2):

Labcorp Genetics (formerly Invitae), Labcorp
Classification: Benign for Congenital myasthenic syndrome 9; Fetal akinesia deformation sequence 1. Last evaluated: 2025-11-04. Review status: criteria provided, single submitter. Criteria: Invitae Variant Classification Sherloc (09022015). Collection method: clinical testing. Allele origin: germline.

Baylor Genetics
Classification: Uncertain significance for Fetal akinesia deformation sequence 1. Last evaluated: 2018-01-29. Review status: criteria provided, single submitter. Criteria: ACMG Guidelines, 2015. Collection method: clinical testing. Allele origin: unknown. Affected: yes.
Comment: This variant was determined to be of uncertain significance according to ACMG Guidelines, 2015 [PMID:25741868].

NM_005592.4(MUSK):c.79+11G>A

Gene: MUSK (muscle associated receptor tyrosine kinase; plus strand). Cytogenetic location: 9q31.3.
Variant type: single nucleotide variant.
Coding change: c.79+11G>A on transcript NM_005592.4 (MANE Select); 11 bases into the intron after coding-DNA position 79, G replaced by A.
Molecular consequence: intron variant.
Genome position (GRCh38, 1-based): chr9:110,668,994, G>A. VCF-style: chr9-110668994-G-A. GRCh37 (hg19) VCF-style: chr9-113431274-G-A.
Other names: c.79+11G>A (NM_001166280.2, NM_001166281.2).
Identifiers: ClinVar variation 1033013 (VCV001033013.12), dbSNP rs139516442, ClinGen allele CA5183903.